The following is an entry in ClinVar:

ClinVar aggregate classification (germline): Uncertain significance. Review status: criteria provided, multiple submitters, no conflicts (2 of 4 stars). 5 submissions from 5 submitters: Uncertain significance (4). 1 of the submissions does not count toward it. Last evaluated 2025-11-06.

Conditions:
Nephronophthisis 15 (NPHP15). Identifiers: Orphanet 3156, MedGen C3541853, MONDO:0013917, OMIM 614845.
Inborn genetic diseases. Identifiers: MedGen C0950123, MeSH D030342.
CEP164-related disorder. Also called: CEP164-related condition.

Allele frequency attached by ClinVar (database versions not stated): ExAC 0.00013; TOPMed 0.00026; gnomAD 0.00019 and 0.00023; gnomAD exomes 0.00008; ESP Exome Variant Server 0.00015.
gnomAD v4.1: 100 of 1,612,726 alleles (0.0062%); highest among the groups gnomAD compares: Middle Eastern, 0.066%; no homozygotes.

Submissions (5):

Ambry Genetics
Classification: Uncertain significance for Inborn genetic diseases. Last evaluated: 2025-11-06. Review status: criteria provided, single submitter. Criteria: Ambry Variant Classification Scheme 2023. Collection method: clinical testing. Allele origin: germline.

Women's Health and Genetics/Laboratory Corporation of America, LabCorp
Classification: Uncertain significance. Last evaluated: 2025-05-06. Review status: criteria provided, single submitter. Criteria: LabCorp Variant Classification Summary - May 2015. Collection method: clinical testing. Allele origin: germline.
Comment: Variant summary: CEP164 c.2669G>A (p.Arg890His) results in a non-conservative amino acid change in the encoded protein sequence. Algorithms developed to predict the effect of missense changes on protein structure and function are either unavailable or do not agree on the potential impact of this missense change. The variant allele was found at a frequency of 7.7e-05 in 247452 control chromosomes. This frequency is not significantly higher than estimated for a pathogenic variant in CEP164 causing Nephronophthisis 15, allowing no conclusion about variant significance. To our knowledge, no occurrence of c.2669G>A in individuals affected with Nephronophthisis 15 and no experimental evidence demonstrating its impact on protein function have been reported. ClinVar contains an entry for this variant (Variation ID: 938369). Based on the evidence outlined above, the variant was classified as uncertain significance.

Fulgent Genetics
Classification: Uncertain significance for Nephronophthisis 15. Last evaluated: 2024-03-25. Review status: criteria provided, single submitter. Criteria: ACMG Guidelines, 2015. Collection method: clinical testing. Allele origin: germline.

Labcorp Genetics (formerly Invitae), Labcorp
Classification: Uncertain significance for Nephronophthisis 15. Last evaluated: 2022-10-24. Review status: criteria provided, single submitter. Criteria: Invitae Variant Classification Sherloc (09022015). Collection method: clinical testing. Allele origin: germline.
Comment: This sequence change replaces arginine, which is basic and polar, with histidine, which is basic and polar, at codon 890 of the CEP164 protein (p.Arg890His). This variant is present in population databases (rs368178224, gnomAD 0.08%). This variant has not been reported in the literature in individuals affected with CEP164-related conditions. ClinVar contains an entry for this variant (Variation ID: 938369). Advanced modeling of protein sequence and biophysical properties (such as structural, functional, and spatial information, amino acid conservation, physicochemical variation, residue mobility, and thermodynamic stability) performed at Invitae indicates that this missense variant is not expected to disrupt CEP164 protein function. In summary, the available evidence is currently insufficient to determine the role of this variant in disease. Therefore, it has been classified as a Variant of Uncertain Significance.

PreventionGenetics, part of Exact Sciences
Classification: Uncertain significance for CEP164-related condition. Last evaluated: 2024-08-20. Review status: no assertion criteria provided. Collection method: clinical testing. Allele origin: germline. Not counted in ClinVar's aggregate classification.
Comment: The CEP164 c.2669G>A variant is predicted to result in the amino acid substitution p.Arg890His. To our knowledge, this variant has not been reported in the literature. This variant is reported in 0.081% of alleles in individuals of African descent in gnomAD. Although we suspect that this variant may be benign, at this time, the clinical significance of this variant is uncertain due to the absence of conclusive functional and genetic evidence.

NM_014956.5(CEP164):c.2669G>A (p.Arg890His)

Gene: CEP164 (centrosomal protein 164; plus strand). Cytogenetic location: 11q23.3.
Variant type: single nucleotide variant.
Coding change: c.2669G>A on transcript NM_014956.5 (MANE Select); coding-DNA position 2669, G replaced by A.
Protein change: p.Arg890His; replaces arginine 890 with histidine.
Molecular consequence: missense variant.
Genome position (GRCh38, 1-based): chr11:117,394,402, G>A. VCF-style: chr11-117394402-G-A. GRCh37 (hg19) VCF-style: chr11-117265118-G-A.
Other names: c.2678G>A, p.Arg893His (NM_001271933.2); short protein forms R893H, R890H.
Identifiers: ClinVar variation 938369 (VCV000938369.10), dbSNP rs368178224, ClinGen allele CA6295179.